The following is an entry in ClinVar:

NM_001134363.3(RBM20):c.3359C>T (p.Ser1120Leu)

Gene: RBM20 (RNA binding motif protein 20; plus strand). Cytogenetic location: 10q25.2.
Variant type: single nucleotide variant.
Coding change: c.3359C>T on transcript NM_001134363.3 (MANE Select); coding-DNA position 3359, C replaced by T.
Protein change: p.Ser1120Leu; replaces serine 1120 with leucine.
Molecular consequence: missense variant.
Genome position (GRCh38, 1-based): chr10:110,823,522, C>T. VCF-style: chr10-110823522-C-T. GRCh37 (hg19) VCF-style: chr10-112583280-C-T.
Other names: short protein forms S1120L.
Identifiers: ClinVar variation 2889881 (VCV002889881.2), dbSNP rs1478860700, ClinGen allele CA378383664.

ClinVar aggregate classification (germline): Uncertain significance (1 of 4 stars; one submission).

Conditions:
Dilated cardiomyopathy 1DD (CMD1DD). Identifiers: Orphanet 154, MedGen C2750995, MONDO:0013168, OMIM 613172.

Allele frequency attached by ClinVar (database versions not stated): gnomAD exomes below 0.00001; gnomAD 0.00001.
gnomAD v4.1: 3 of 1,538,924 alleles (0.00019%); highest among the groups gnomAD compares: Admixed American, 0.0041%; no homozygotes.

Submission:

Labcorp Genetics (formerly Invitae), Labcorp
Classification: Uncertain significance for Dilated cardiomyopathy 1DD. Last evaluated: 2023-01-17. Review status: criteria provided, single submitter. Criteria: Invitae Variant Classification Sherloc (09022015). Collection method: clinical testing. Allele origin: germline.
Comment: This sequence change replaces serine, which is neutral and polar, with leucine, which is neutral and non-polar, at codon 1120 of the RBM20 protein (p.Ser1120Leu). In summary, the available evidence is currently insufficient to determine the role of this variant in disease. Therefore, it has been classified as a Variant of Uncertain Significance. Advanced modeling of protein sequence and biophysical properties (such as structural, functional, and spatial information, amino acid conservation, physicochemical variation, residue mobility, and thermodynamic stability) performed at Invitae indicates that this missense variant is not expected to disrupt RBM20 protein function. This variant has not been reported in the literature in individuals affected with RBM20-related conditions. This variant is present in population databases (no rsID available, gnomAD 0.002%).